The following is an entry in ClinVar:

ClinVar aggregate classification (germline): Uncertain significance (1 of 4 stars; one submission).

Submission:

Labcorp Genetics (formerly Invitae), Labcorp
Classification: Uncertain significance. Last evaluated: 2023-09-06. Review status: criteria provided, single submitter. Criteria: Invitae Variant Classification Sherloc (09022015). Collection method: clinical testing. Allele origin: germline.
Comment: In summary, the available evidence is currently insufficient to determine the role of this variant in disease. Therefore, it has been classified as a Variant of Uncertain Significance. An algorithm developed to predict the effect of missense changes on protein structure and function (PolyPhen-2) suggests that this variant is likely to be disruptive. This variant has not been reported in the literature in individuals affected with ADCY10-related conditions. This variant is not present in population databases (gnomAD no frequency). This sequence change replaces valine, which is neutral and non-polar, with methionine, which is neutral and non-polar, at codon 297 of the ADCY10 protein (p.Val297Met).

NM_018417.6(ADCY10):c.889G>A (p.Val297Met)

Genes: ADCY10 (adenylate cyclase 10; minus strand), DCAF6 (DDB1 and CUL4 associated factor 6; plus strand). Cytogenetic location: 1q24.2.
Variant type: single nucleotide variant.
Coding change: c.889G>A on transcript NM_018417.6 (MANE Select); coding-DNA position 889, G replaced by A.
Protein change: p.Val297Met; replaces valine 297 with methionine.
Molecular consequence: missense variant.
Genome position (GRCh38, 1-based): chr1:167,883,568, C>T on the plus strand (G>A on the coding strand, the complement: ADCY10 is on the minus strand). VCF-style: chr1-167883568-C-T. GRCh37 (hg19) VCF-style: chr1-167852806-C-T.
Other names: c.430G>A, p.Val144Met (NM_001167749.3); c.613G>A, p.Val205Met (NM_001297772.2); short protein forms V144M, V205M, V297M.
Identifiers: ClinVar variation 2755580 (VCV002755580.3), dbSNP rs2525781005, ClinGen allele CA343100581.